The following is an entry in ClinVar:

ClinVar aggregate classification (germline): Uncertain significance. Review status: criteria provided, multiple submitters, no conflicts (2 of 4 stars). 4 submissions from 4 submitters: Uncertain significance (4). Last evaluated 2022-09-19.

Conditions:
Cardiomyopathy (CMYO). Also called: Cardiomyopathies. Identifiers: Orphanet 167848, MedGen C0878544, MONDO:0004994, HP:0001638. Inheritance: Various modes of inheritance.
Autosomal recessive limb-girdle muscular dystrophy type 2J (LGMDR10). Also called: Limb-girdle muscular dystrophy, type 2J; MUSCULAR DYSTROPHY, LIMB-GIRDLE, AUTOSOMAL RECESSIVE 10. Identifiers: Orphanet 140922, MedGen C1837342, MONDO:0012127, OMIM 608807.
Hypertrophic cardiomyopathy 9. Also called: Familial hypertrophic cardiomyopathy 9. Identifiers: MedGen C1861065, MONDO:0013412, OMIM 613765.
Dilated cardiomyopathy 1G (CMD1G). Identifiers: Orphanet 154, MedGen C1858763, MONDO:0011400, OMIM 604145.
Tibial muscular dystrophy (TMD). Also called: Tibial muscular dystrophy, tardive; Udd Distal Myopathy – Tibial Muscular Dystrophy; UDD MYOPATHY. Identifiers: Orphanet 609, MedGen C1838244, MONDO:0010870, OMIM 600334.
Myopathy, myofibrillar, 9, with early respiratory failure (MFM9). Also called: Hereditary myopathy with early respiratory failure; Myopathy, distal, with early respiratory failure, autosomal dominant; EDSTROM MYOPATHY; MYOPATHY, PROXIMAL, WITH EARLY RESPIRATORY MUSCLE INVOLVEMENT. Identifiers: Orphanet 178464, Orphanet 34521, MedGen C1863599, MONDO:0011362, OMIM 603689.
Early-onset myopathy with fatal cardiomyopathy (CMYO5). Also called: Salih Myopathy; CONGENITAL MYOPATHY 5 WITH CARDIOMYOPATHY. Identifiers: Orphanet 289377, MedGen C2673677, MONDO:0012714, OMIM 611705. Disease mechanism: loss of function.

Allele frequency attached by ClinVar (database versions not stated): gnomAD below 0.00001 and 0.00004; gnomAD exomes 0.00005 and 0.00010; ExAC 0.00012; 1000 Genomes Project 0.00040; 1000 Genomes Project 30x 0.00047.

Submissions (4):

Revvity Omics, Revvity
Classification: Uncertain significance. Last evaluated: 2022-09-19. Review status: criteria provided, single submitter. Criteria: ACMG Guidelines, 2015. Collection method: clinical testing. Allele origin: germline.

Fulgent Genetics
Classification: Uncertain significance for Tibial muscular dystrophy; Myopathy, myofibrillar, 9, with early respiratory failure; Dilated cardiomyopathy 1G; Autosomal recessive limb-girdle muscular dystrophy type 2J; Early-onset myopathy with fatal cardiomyopathy; Hypertrophic cardiomyopathy 9. Last evaluated: 2021-08-24. Review status: criteria provided, single submitter. Criteria: ACMG Guidelines, 2015. Collection method: clinical testing. Allele origin: unknown.

CHEO Genetics Diagnostic Laboratory, Children's Hospital of Eastern Ontario
Classification: Uncertain significance for Cardiomyopathy. Last evaluated: 2016-03-08. Review status: criteria provided, single submitter. Criteria: ACMG Guidelines, 2015. Collection method: clinical testing. Allele origin: germline. Study: Canadian Open Genetics Repository.

Neuberg Centre For Genomic Medicine, NCGM
Classification: Uncertain significance for Autosomal recessive limb-girdle muscular dystrophy type 2J. Review status: criteria provided, single submitter. Criteria: ACMG Guidelines, 2015. Collection method: clinical testing. Allele origin: germline. Inheritance: Autosomal recessive inheritance. Affected: yes.
Comment: The missense variant c.3695A>Tp.Asp1232Val in TTN gene has not been reported previously as a pathogenic variant nor as a benign variant, to our knowledge. The observed variant has been reported with allele frequency of 0.009% in gnomAD exomes database. This variant has been reported to the ClinVar database as Uncertain Significance. The amino acid change p.Asp1232Val in TTN is predicted as conserved by GERP++ and PhyloP across 100 vertebrates. The amino acid Asp at position 1232 is changed to a Val changing protein sequence and it might alter its composition and physico-chemical properties. For these reasons, this variant has been classified as Uncertain Significance VUS.

NM_001267550.2(TTN):c.3695A>T (p.Asp1232Val)

Gene: TTN (titin; minus strand). Cytogenetic location: 2q31.2.
Variant type: single nucleotide variant.
Coding change: c.3695A>T on transcript NM_001267550.2 (MANE Select); coding-DNA position 3695, A replaced by T.
Protein change: p.Asp1232Val; replaces aspartic acid 1232 with valine.
Molecular consequence: missense variant.
Genome position (GRCh38, 1-based): chr2:178,780,034, T>A on the plus strand (A>T on the coding strand, the complement: TTN is on the minus strand). VCF-style: chr2-178780034-T-A. GRCh37 (hg19) VCF-style: chr2-179644761-T-A.
Other names: c.3695A>T, p.Asp1232Val (NM_001256850.1, NM_133378.4, NM_133379.5); c.3557A>T, p.Asp1186Val (NM_003319.4, NM_133432.3, NM_133437.4); short protein forms D1232V, D1186V.
Identifiers: ClinVar variation 626706 (VCV000626706.7), dbSNP rs576019235, ClinGen allele CA2005502.